The following is an entry in ClinVar:

NM_001040108.2(MLH3):c.425C>T (p.Ala142Val)

Gene: MLH3 (mutL homolog 3; minus strand). Cytogenetic location: 14q24.3.
Variant type: single nucleotide variant.
Coding change: c.425C>T on transcript NM_001040108.2 (MANE Select); coding-DNA position 425, C replaced by T.
Protein change: p.Ala142Val; replaces alanine 142 with valine.
Molecular consequence: missense variant.
Genome position (GRCh38, 1-based): chr14:75,049,231, G>A on the plus strand (C>T on the coding strand, the complement: MLH3 is on the minus strand). VCF-style: chr14-75049231-G-A. GRCh37 (hg19) VCF-style: chr14-75515934-G-A.
Other names: c.425C>T, p.Ala142Val (NM_014381.3); short protein forms A142V.
Identifiers: ClinVar variation 941906 (VCV000941906.10), dbSNP rs1892494189, ClinGen allele CA390450377.
Genomic context (GRCh38, chr14:75,049,231, plus strand): 5'-ATGCATTTCCTCCTTACAGGAAGCTGGTAAAATAGGTTATACACTGTTACAGTAGTCCCA[G>A]CGCTTGCTCTAGTCACATCAGCTTCACAAGCTTTCAGGGCTTTTCCACTCTGAAACAGTT-3'
Protein context (NP_001035197.1, residues 132-152): ACEADVTRAS[Ala142Val]GTTVTVYNLF

ClinVar aggregate classification (germline): Uncertain significance. Review status: criteria provided, multiple submitters, no conflicts (2 of 4 stars). 2 submissions from 2 submitters: Uncertain significance (2). Last evaluated 2023-12-20.

Conditions:
Colorectal cancer, hereditary nonpolyposis, type 7. Identifiers: Orphanet 144, MedGen C1858380, MONDO:0013725, OMIM 614385.

Submissions (2):

Ambry Genetics
Classification: Uncertain significance. Last evaluated: 2023-12-20. Review status: criteria provided, single submitter. Criteria: Ambry Variant Classification Scheme 2023. Collection method: clinical testing. Allele origin: germline.
Comment: The p.A142V variant (also known as c.425C>T), located in coding exon 1 of the MLH3 gene, results from a C to T substitution at nucleotide position 425. The alanine at codon 142 is replaced by valine, an amino acid with similar properties. This amino acid position is conserved. In addition, this alteration is predicted to be tolerated by in silico analysis. Since supporting evidence is limited at this time, the clinical significance of this alteration remains unclear.

Labcorp Genetics (formerly Invitae), Labcorp
Classification: Uncertain significance for Colorectal cancer, hereditary nonpolyposis, type 7. Last evaluated: 2019-10-09. Review status: criteria provided, single submitter. Criteria: Invitae Variant Classification Sherloc (09022015). Collection method: clinical testing. Allele origin: germline.
Comment: In summary, the available evidence is currently insufficient to determine the role of this variant in disease. Therefore, it has been classified as a Variant of Uncertain Significance. Algorithms developed to predict the effect of missense changes on protein structure and function output the following: SIFT: "Tolerated"; PolyPhen-2: "Benign"; Align-GVGD: "Class C0". The valine amino acid residue is found in multiple mammalian species, suggesting that this missense change does not adversely affect protein function. These predictions have not been confirmed by published functional studies and their clinical significance is uncertain. This variant has not been reported in the literature in individuals with MLH3-related conditions. This variant is not present in population databases (ExAC no frequency). This sequence change replaces alanine with valine at codon 142 of the MLH3 protein (p.Ala142Val). The alanine residue is moderately conserved and there is a small physicochemical difference between alanine and valine.